The following is an entry in ClinVar:

ClinVar aggregate classification (germline): Uncertain significance. Review status: criteria provided, single submitter (1 of 4 stars). 2 submissions from 2 submitters: Uncertain significance (1). 1 of the submissions does not count toward it. Last evaluated 2025-05-15.

Conditions:
Inborn genetic diseases. Identifiers: MedGen C0950123, MeSH D030342.
FANCA-related disorder. Also called: FANCA-related condition.

Allele frequency attached by ClinVar (database versions not stated): TOPMed below 0.00001.
gnomAD v4.1: 1 of 1,551,464 alleles (0.000064%); no homozygotes.

Submissions (2):

Ambry Genetics
Classification: Uncertain significance for Inborn genetic diseases. Last evaluated: 2025-05-15. Review status: criteria provided, single submitter. Criteria: Ambry Variant Classification Scheme 2023. Collection method: clinical testing. Allele origin: germline.
Comment: The p.R661T variant (also known as c.1982G>C), located in coding exon 22 of the FANCA gene, results from a G to C substitution at nucleotide position 1982. The arginine at codon 661 is replaced by threonine, an amino acid with similar properties. This amino acid position is conserved. In addition, the in silico prediction for this alteration is inconclusive. Based on the available evidence, the clinical significance of this variant remains unclear.

PreventionGenetics, part of Exact Sciences
Classification: Uncertain significance for FANCA-related condition. Last evaluated: 2023-11-09. Review status: no assertion criteria provided. Collection method: clinical testing. Allele origin: germline. Not counted in ClinVar's aggregate classification.
Comment: The FANCA c.1982G>C variant is predicted to result in the amino acid substitution p.Arg661Thr. To our knowledge, this variant has not been reported in the literature. This variant is reported in 1 out of 156016 of alleles in gnomAD. At this time, the clinical significance of this variant is uncertain due to the absence of conclusive functional and genetic evidence.

NM_000135.4(FANCA):c.1982G>C (p.Arg661Thr)

Gene: FANCA (FA complementation group A; minus strand). Cytogenetic location: 16q24.3.
Variant type: single nucleotide variant.
Coding change: c.1982G>C on transcript NM_000135.4 (MANE Select); coding-DNA position 1982, G replaced by C.
Protein change: p.Arg661Thr; replaces arginine 661 with threonine.
Molecular consequence: missense variant.
Genome position (GRCh38, 1-based): chr16:89,773,303, C>G on the plus strand (G>C on the coding strand, the complement: FANCA is on the minus strand). VCF-style: chr16-89773303-C-G. GRCh37 (hg19) VCF-style: chr16-89839711-C-G.
Other names: c.1982G>C, p.Arg661Thr (NM_001286167.3); short protein forms R661T.
Identifiers: ClinVar variation 2633965 (VCV002633965.4), dbSNP rs1461108636, ClinGen allele CA397449730.